The following is an entry in ClinVar:

ClinVar aggregate classification (germline): Likely benign. Review status: criteria provided, multiple submitters, no conflicts (2 of 4 stars). 3 submissions from 3 submitters: Likely benign (2). 1 of the submissions does not count toward it. Last evaluated 2025-10-13.

Conditions:
Tremor, hereditary essential, 4 (ETM4). Identifiers: MedGen C3539195, MONDO:0013888, OMIM 614782.
Amyotrophic lateral sclerosis type 6. Also called: FUS-Related Amyotrophic Laterial Sclerosis; AMYOTROPHIC LATERAL SCLEROSIS 6 WITHOUT FRONTOTEMPORAL DEMENTIA; Amyotrophic lateral sclerosis 6, with or without frontotemporal dementia. Identifiers: Orphanet 275872, Orphanet 803, MedGen C2931786, MONDO:0011951, OMIM 608030.
FUS-related disorder. Also called: FUS-related condition.

Allele frequency attached by ClinVar (database versions not stated): gnomAD exomes 0.00008; 1000 Genomes Project 30x 0.00016.
gnomAD v4.1: 113 of 1,613,856 alleles (0.007%); highest among the groups gnomAD compares: Non-Finnish European, 0.0094%; no homozygotes.

Submissions (3):

Labcorp Genetics (formerly Invitae), Labcorp
Classification: Likely benign for Tremor, hereditary essential, 4; Amyotrophic lateral sclerosis type 6. Last evaluated: 2025-10-13. Review status: criteria provided, single submitter. Criteria: Invitae Variant Classification Sherloc (09022015). Collection method: clinical testing. Allele origin: germline.

Mayo Clinic Laboratories, Mayo Clinic
Classification: Likely benign. Last evaluated: 2025-10-06. Review status: criteria provided, single submitter. Criteria: ACMG Guidelines, 2015. Collection method: clinical testing. Allele origin: germline. Observed: 1 variant allele.
Comment: BP4, BP7

PreventionGenetics, part of Exact Sciences
Classification: Likely benign for FUS-related condition. Last evaluated: 2023-09-18. Review status: no assertion criteria provided. Collection method: clinical testing. Allele origin: germline. Not counted in ClinVar's aggregate classification.
Comment: This variant is classified as likely benign based on ACMG/AMP sequence variant interpretation guidelines (Richards et al. 2015 PMID: 25741868, with internal and published modifications).

NM_004960.4(FUS):c.14-9C>G

Gene: FUS (FUS RNA binding protein; plus strand). Cytogenetic location: 16p11.2.
Variant type: single nucleotide variant.
Coding change: c.14-9C>G on transcript NM_004960.4 (MANE Select); 9 bases into the intron before coding-DNA position 14, C replaced by G.
Molecular consequence: intron variant.
Genome position (GRCh38, 1-based): chr16:31,182,389, C>G. VCF-style: chr16-31182389-C-G. GRCh37 (hg19) VCF-style: chr16-31193710-C-G.
Other names: p.?; c.14-9C>G (NM_001170937.1, NM_001170634.1, NM_004960.3).
Identifiers: ClinVar variation 2069851 (VCV002069851.7), dbSNP rs199867740, ClinGen allele CA8023409.